The following is an entry in ClinVar:

ClinVar aggregate classification (germline): Benign (1 of 4 stars; one submission).

Conditions:
Tuberous sclerosis 2 (TSC2). Identifiers: Orphanet 805, MedGen C1860707, MONDO:0013199, OMIM 613254.

Submission:

Myriad Genetics, Inc.
Classification: Benign for Tuberous sclerosis 2. Last evaluated: 2025-05-29. Review status: criteria provided, single submitter. Criteria: Myriad Autosomal Dominant, Autosomal Recessive and X-Linked Classification Criteria (2023). Collection method: clinical testing. Allele origin: unknown.
Comment: This variant is considered benign. This variant is a silent/synonymous amino acid change and it is not expected to impact splicing.

NM_000548.5(TSC2):c.3540G>A (p.Lys1180=)

Gene: TSC2 (TSC complex subunit 2; plus strand). Cytogenetic location: 16p13.3.
Variant type: single nucleotide variant.
Coding change: c.3540G>A on transcript NM_000548.5 (MANE Select); coding-DNA position 3540, G replaced by A.
Protein change: p.Lys1180=; no amino-acid change (lysine 1180 retained).
Molecular consequence: synonymous variant. On other transcripts: non-coding transcript variant (5).
Genome position (GRCh38, 1-based): chr16:2,080,307, G>A. VCF-style: chr16-2080307-G-A. GRCh37 (hg19) VCF-style: chr16-2130308-G-A.
Other names: c.3408G>A, p.Lys1136= (NM_001077183.3, NM_001370404.1, NM_001406665.1); c.3540G>A, p.Lys1180= (NM_001114382.3); c.3300G>A, p.Lys1100= (NM_001318827.2); c.3264G>A, p.Lys1088= (NM_001318829.2); c.2808G>A, p.Lys936= (NM_001318831.2, NM_001406687.1, NM_001406688.1); c.3441G>A, p.Lys1147= (NM_001318832.2); c.3411G>A, p.Lys1137= (NM_001363528.2, NM_001370405.1, NM_021055.3); c.3537G>A, p.Lys1179= (NM_001406663.1, NM_001406664.1); and 18 more.
Identifiers: ClinVar variation 4071236 (VCV004071236.1).